The following is an entry in ClinVar:

NM_000260.4(MYO7A):c.3631-8G>A

Gene: MYO7A (myosin VIIA; plus strand). Cytogenetic location: 11q13.5.
Variant type: single nucleotide variant.
Coding change: c.3631-8G>A on transcript NM_000260.4 (MANE Select); 8 bases into the intron before coding-DNA position 3631, G replaced by A.
Molecular consequence: intron variant.
Genome position (GRCh38, 1-based): chr11:77,190,012, G>A. VCF-style: chr11-77190012-G-A. GRCh37 (hg19) VCF-style: chr11-76901057-G-A.
Other names: c.3598-8G>A (NM_001369365.1); c.3631-8G>A (NM_001127180.2).
Identifiers: ClinVar variation 3057515 (VCV003057515.2), dbSNP rs2497359755, ClinGen allele CA2615265932.
Genomic context (GRCh38, chr11:77,190,012, plus strand): 5'-CTGGCGGCTGCCCTCAAAATCCACATGGGGAGCCCCAGGGGCCGCCTCAGCGGGTACTCT[G>A]GCTGCAGTACCTGCGGAACTTCATCCACGGGGGCCCGCCCGGCTACGCCCCGTACTGTGA-3'

ClinVar aggregate classification (germline): Likely benign (0 of 4 stars; one submission).

Conditions:
MYO7A-related disorder. Also called: MYO7A-related disorders.

Submission:

PreventionGenetics, part of Exact Sciences
Classification: Likely benign for MYO7A-related condition. Last evaluated: 2019-03-12. Review status: no assertion criteria provided. Collection method: clinical testing. Allele origin: germline.
Comment: This variant is classified as likely benign based on ACMG/AMP sequence variant interpretation guidelines (Richards et al. 2015 PMID: 25741868, with internal and published modifications).